The following is an entry in ClinVar:

ClinVar aggregate classification (germline): Uncertain significance (1 of 4 stars; one submission).

Conditions:
POLD1-related polyposis and colorectal cancer syndrome (CRCS10). Also called: Colorectal cancer 10; COLORECTAL CANCER, SUSCEPTIBILITY TO, ON CHROMOSOME 19q; Colorectal cancer, susceptibility to, 10. Identifiers: Orphanet 220460, MedGen C2675481, MONDO:0012953, OMIM 612591.

Submission:

Labcorp Genetics (formerly Invitae), Labcorp
Classification: Uncertain significance for POLD1-related polyposis and colorectal cancer syndrome. Last evaluated: 2020-01-15. Review status: criteria provided, single submitter. Criteria: Invitae Variant Classification Sherloc (09022015). Collection method: clinical testing. Allele origin: germline.
Comment: This variant is not present in population databases (ExAC no frequency). This sequence change replaces phenylalanine with isoleucine at codon 34 of the POLD1 protein (p.Phe34Ile). The phenylalanine residue is highly conserved and there is a small physicochemical difference between phenylalanine and isoleucine. In summary, the available evidence is currently insufficient to determine the role of this variant in disease. Therefore, it has been classified as a Variant of Uncertain Significance. Algorithms developed to predict the effect of missense changes on protein structure and function are either unavailable or do not agree on the potential impact of this missense change (SIFT: "Deleterious"; PolyPhen-2: "Benign"; Align-GVGD: "Class C0"). This variant has not been reported in the literature in individuals with POLD1-related conditions.

NM_002691.4(POLD1):c.100T>A (p.Phe34Ile)

Gene: POLD1 (DNA polymerase delta 1, catalytic subunit; plus strand). Cytogenetic location: 19q13.33.
Variant type: single nucleotide variant.
Coding change: c.100T>A on transcript NM_002691.4 (MANE Select); coding-DNA position 100, T replaced by A.
Protein change: p.Phe34Ile; replaces phenylalanine 34 with isoleucine.
Molecular consequence: missense variant. On other transcripts: non-coding transcript variant (1).
Genome position (GRCh38, 1-based): chr19:50,398,951, T>A. VCF-style: chr19-50398951-T-A. GRCh37 (hg19) VCF-style: chr19-50902208-T-A.
Other names: c.100T>A, p.Phe34Ile (NM_001256849.1, NM_001308632.1); short protein forms F34I.
Identifiers: ClinVar variation 837188 (VCV000837188.9), dbSNP rs2038476429, ClinGen allele CA406970135.